The following is an entry in ClinVar:

NM_001048174.2(MUTYH):c.556G>A (p.Gly186Ser)

Gene: MUTYH (mutY DNA glycosylase; minus strand). Cytogenetic location: 1p34.1.
Variant type: single nucleotide variant.
Coding change: c.556G>A on transcript NM_001048174.2 (MANE Select); coding-DNA position 556, G replaced by A.
Protein change: p.Gly186Ser; replaces glycine 186 with serine.
Molecular consequence: missense variant. On other transcripts: non-coding transcript variant (7).
Genome position (GRCh38, 1-based): chr1:45,332,624, C>T on the plus strand (G>A on the coding strand, the complement: MUTYH is on the minus strand). VCF-style: chr1-45332624-C-T. GRCh37 (hg19) VCF-style: chr1-45798296-C-T.
Other names: c.559G>A, p.Gly187Ser (NM_001048172.2, NM_001407078.1, NM_001407086.1 and 1 more transcripts); c.556G>A, p.Gly186Ser (NM_001048173.2, NM_001293195.2, NM_001407081.1 and 6 more transcripts); c.640G>A, p.Gly214Ser (NM_001128425.2); c.601G>A, p.Gly201Ser (NM_001293190.2); c.589G>A, p.Gly197Ser (NM_001293191.2, NM_001407069.1, NM_001407077.1); c.280G>A, p.Gly94Ser (NM_001293192.2, NM_001407091.1, NM_001293196.2); c.517G>A, p.Gly173Ser (NM_001407079.1); c.514G>A, p.Gly172Ser (NM_001407080.1); and 5 more; short protein forms G193S, G214S, G94S, G172S, G173S, G187S, G211S, G186S.
Identifiers: ClinVar variation 4112811 (VCV004112811.2).

ClinVar aggregate classification (germline): Uncertain significance (1 of 4 stars; one submission).

Conditions:
Hereditary cancer-predisposing syndrome. Also called: Neoplastic Syndromes, Hereditary; Tumor predisposition; Hereditary Cancer Syndrome; Hereditary neoplastic syndrome. Identifiers: Orphanet 140162, MedGen C0027672, MeSH D009386, MONDO:0015356.

Submission:

Ambry Genetics
Classification: Uncertain significance for Hereditary cancer-predisposing syndrome. Last evaluated: 2026-08-19. Review status: criteria provided, single submitter. Criteria: Ambry Variant Classification Scheme 2023. Collection method: clinical testing. Allele origin: germline.
Comment: The p.G214S variant (also known as c.640G>A), located in coding exon 8 of the MUTYH gene, results from a G to A substitution at nucleotide position 640. The glycine at codon 214 is replaced by serine, an amino acid with similar properties. This amino acid position is conserved. In addition, this alteration is predicted to be deleterious by in silico analysis. Based on the available evidence, the clinical significance of this variant remains unclear.